The following is an entry in ClinVar:

ClinVar aggregate classification (germline): Benign. Review status: criteria provided, multiple submitters, no conflicts (2 of 4 stars). 4 submissions from 4 submitters: Benign (4). Last evaluated 2024-11-27.

Conditions:
Pyruvate dehydrogenase E3-binding protein deficiency (PDHXD). Also called: E3-Binding Protein (Component X) Deficiency; LACTIC ACIDEMIA DUE TO DEFECT IN LIPOYL-CONTAINING COMPONENT X OF THE PYRUVATE DEHYDROGENASE COMPLEX; Lacticacidemia due to PDX1 deficiency; PYRUVATE HYDROGENASE E3-BINDING PROTEIN DEFICIENCY. Identifiers: Orphanet 255182, MedGen C1855553, MONDO:0009503, OMIM 245349.

Allele frequency attached by ClinVar (database versions not stated): gnomAD exomes 0.36523 and 0.42588; ExAC 0.50245; TOPMed 0.36850; gnomAD 0.37351 and 0.36407; 1000 Genomes Project 0.45727; 1000 Genomes Project 30x 0.44519.
gnomAD v4.1: 568,562 of 1,550,884 alleles (37%); highest among the groups gnomAD compares: East Asian, 73%; 108,645 homozygotes.

Submissions (4):

Blueprint Genetics
Classification: Benign. Last evaluated: 2024-11-27. Review status: criteria provided, single submitter. Criteria: ACMG Guidelines, 2015. Collection method: clinical testing. Allele origin: germline.

Illumina Laboratory Services, Illumina
Classification: Benign for Pyruvate dehydrogenase E3-binding protein deficiency. Last evaluated: 2018-01-13. Review status: criteria provided, single submitter. Criteria: ICSL Variant Classification Criteria 13 December 2019. Collection method: clinical testing. Allele origin: germline.
Comment: This variant was observed in the ICSL laboratory as part of a predisposition screen in an ostensibly healthy population. It had not been previously curated by ICSL or reported in the Human Gene Mutation Database (HGMD: prior to June 1st, 2018), and was therefore a candidate for classification through an automated scoring system. Utilizing variant allele frequency, disease prevalence and penetrance estimates, and inheritance mode, an automated score was calculated to assess if this variant is too frequent to cause the disease. Based on the score and internal cut-off values, a variant classified as benign is not then subjected to further curation. The score for this variant resulted in a classification of benign for this disease.

GeneDx
Classification: Benign. Last evaluated: 2015-03-03. Review status: criteria provided, single submitter. Criteria: GeneDx Variant Classification Process June 2021. Collection method: clinical testing. Allele origin: germline. Affected: yes.

Breakthrough Genomics
Classification: Benign. Review status: criteria provided, single submitter. Criteria: ACMG Guidelines, 2015. Collection method: not provided. Allele origin: germline. Inheritance: Autosomal recessive inheritance. Affected: yes.

NM_003477.2(PDHX):c.-272G>A

Gene: PDHX (pyruvate dehydrogenase complex component X; plus strand). Cytogenetic location: 11p13.
Variant type: single nucleotide variant.
Coding change: c.-272G>A on transcript NM_003477.2; 272 bases upstream of the start codon, G replaced by A.
Genome position (GRCh38, 1-based): chr11:34,916,384, G>A. VCF-style: chr11-34916384-G-A. GRCh37 (hg19) VCF-style: chr11-34937931-G-A.
Identifiers: ClinVar variation 304451 (VCV000304451.11), dbSNP rs2956111, ClinGen allele CA5945661.